The following is an entry in ClinVar:

NM_001035.3(RYR2):c.14845T>C (p.Trp4949Arg)

Gene: RYR2 (ryanodine receptor 2; plus strand). Cytogenetic location: 1q43.
Variant type: single nucleotide variant.
Coding change: c.14845T>C on transcript NM_001035.3 (MANE Select); coding-DNA position 14845, T replaced by C.
Protein change: p.Trp4949Arg; replaces tryptophan 4949 with arginine.
Molecular consequence: missense variant.
Genome position (GRCh38, 1-based): chr1:237,832,588, T>C. VCF-style: chr1-237832588-T-C. GRCh37 (hg19) VCF-style: chr1-237995888-T-C.
Other names: p.W4949R:TGG>CGG; c.14845T>C, p.Trp4949Arg (LRG_402t1); short protein forms W4949R.
Identifiers: ClinVar variation 201363 (VCV000201363.12), dbSNP rs794728810, ClinGen allele CA008433.

ClinVar aggregate classification (germline): Likely pathogenic. Review status: criteria provided, multiple submitters, no conflicts (2 of 4 stars). 2 submissions from 2 submitters: Likely pathogenic (2). Last evaluated 2020-05-21.

Conditions:
Catecholaminergic polymorphic ventricular tachycardia 1. Also called: RYR2-Related Catecholaminergic Polymorphic Ventricular Tachycardia; VENTRICULAR TACHYCARDIA, CATECHOLAMINERGIC POLYMORPHIC, 1, WITH OR WITHOUT ATRIAL DYSFUNCTION AND/OR DILATED CARDIOMYOPATHY; VENTRICULAR TACHYCARDIA, STRESS-INDUCED POLYMORPHIC 1. Identifiers: Orphanet 3286, MedGen C1631597, MONDO:0011484, OMIM 604772.

Submissions (2):

GeneDx
Classification: Likely pathogenic. Last evaluated: 2020-05-21. Review status: criteria provided, single submitter. Criteria: GeneDx Variant Classification Process June 2021. Collection method: clinical testing. Allele origin: germline. Affected: yes.
Comment: Not observed in large population cohorts (Lek et al., 2016); In silico analysis supports that this missense variant has a deleterious effect on protein structure/function; Has not been previously published as pathogenic or benign to our knowledge

Labcorp Genetics (formerly Invitae), Labcorp
Classification: Likely pathogenic for Catecholaminergic polymorphic ventricular tachycardia 1. Last evaluated: 2018-06-07. Review status: criteria provided, single submitter. Criteria: Invitae Variant Classification Sherloc (09022015). Collection method: clinical testing. Allele origin: germline.
Comment: In summary, the currently available evidence indicates that the variant is pathogenic, but additional data are needed to prove that conclusively. Therefore, this variant has been classified as Likely Pathogenic. Algorithms developed to predict the effect of missense changes on protein structure and function are either unavailable or do not agree on the potential impact of this missense change (SIFT: "Deleterious"; PolyPhen-2: "Benign"; Align-GVGD: "Class C0"). ClinVar contains an entry for this variant (Variation ID: 201363). This variant is not present in population databases (ExAC no frequency). This sequence change replaces tryptophan with arginine at codon 4949 of the RYR2 protein (p.Trp4949Arg). The tryptophan residue is highly conserved and there is a moderate physicochemical difference between tryptophan and arginine.